The following is an entry in ClinVar:

ClinVar aggregate classification (germline): Likely benign. Review status: criteria provided, multiple submitters, no conflicts (2 of 4 stars). 2 submissions from 2 submitters: Likely benign (2). Last evaluated 2025-06-15.

Conditions:
TALDO1-related disorder. Also called: TALDO1-related condition.

Allele frequency attached by ClinVar (database versions not stated): TOPMed 0.00002; 1000 Genomes Project 30x 0.00016.
gnomAD v4.1: 38 of 1,607,630 alleles (0.0024%); highest among the groups gnomAD compares: Admixed American, 0.022%; no homozygotes.

Submissions (2):

Labcorp Genetics (formerly Invitae), Labcorp
Classification: Likely benign. Last evaluated: 2025-06-15. Review status: criteria provided, single submitter. Criteria: Invitae Variant Classification Sherloc (09022015). Collection method: clinical testing. Allele origin: germline.

PreventionGenetics, part of Exact Sciences
Classification: Likely benign for TALDO1-related condition. Last evaluated: 2025-04-25. Review status: criteria provided, single submitter. Criteria: ACMG Guidelines, 2015. Collection method: clinical testing. Allele origin: germline.
Comment: This variant is classified as likely benign based on ACMG/AMP sequence variant interpretation guidelines (Richards et al. 2015 PMID: 25741868, with internal and published modifications).

NM_006755.2(TALDO1):c.468C>T (p.Leu156=)

Genes: TALDO1 (transaldolase 1; plus strand), LOC126861110 (CDK7 strongly-dependent group 2 enhancer GRCh37_chr11:762588-763787; plus strand). Cytogenetic location: 11p15.5.
Variant type: single nucleotide variant.
Coding change: c.468C>T on transcript NM_006755.2 (MANE Select); coding-DNA position 468, C replaced by T.
Protein change: p.Leu156=; no amino-acid change (leucine 156 retained).
Molecular consequence: synonymous variant.
Genome position (GRCh38, 1-based): chr11:763,350, C>T. VCF-style: chr11-763350-C-T. GRCh37 (hg19) VCF-style: chr11-763350-C-T.
Other names: c.468C>T (NM_006755.1).
Identifiers: ClinVar variation 2899075 (VCV002899075.4), dbSNP rs573115501, ClinGen allele CA5788178.
Genomic context (GRCh38, chr11:763,350, plus strand): 5'-CCTCACCTGTCCCCGCCCTCACCTGCCCCGCCCTCACCTGTCCCCGCCCCGCAGGGAGCT[C>T]GAGGAGCAGCACGGCATCCACTGCAACATGACGTTACTCTTCTCCTTCGCCCAGGCTGTG-3'
Protein context (NP_006746.1, residues 146-166): TWEGIQAGKE[Leu156=]EEQHGIHCNM